The following is an entry in ClinVar:

NM_001278512.2(AP3B2):c.2927C>T (p.Thr976Ile)

Genes: AP3B2 (adaptor related protein complex 3 subunit beta 2; minus strand), CPEB1-AS1 (CPEB1 antisense RNA 1; plus strand). Cytogenetic location: 15q25.2.
Variant type: single nucleotide variant.
Coding change: c.2927C>T on transcript NM_001278512.2 (MANE Select); coding-DNA position 2927, C replaced by T.
Protein change: p.Thr976Ile; replaces threonine 976 with isoleucine.
Molecular consequence: missense variant.
Genome position (GRCh38, 1-based): chr15:82,661,914, G>A on the plus strand (C>T on the coding strand, the complement: AP3B2 is on the minus strand). VCF-style: chr15-82661914-G-A. GRCh37 (hg19) VCF-style: chr15-83330666-G-A.
Other names: c.2774C>T, p.Thr925Ile (NM_001278511.2); c.59C>T, p.Thr20Ile (NM_001348441.2); c.2870C>T, p.Thr957Ile (NM_004644.5); short protein forms T20I, T925I, T957I, T976I.
Identifiers: ClinVar variation 1441419 (VCV001441419.6), dbSNP rs892298096, ClinGen allele CA273479354.
Genomic context (GRCh38, chr15:82,661,914, plus strand): 5'-ATGAACACAGGGGCCATCAGCTCCCCAACAGGTGGCTGAATGGAGACGTAGAACTGTCGG[G>A]TCTGGGTGCTGGGAGGGGTGGGAGGAAACGGAGAAGAATTAAGGCTGTCATCTCTCCCCT-3'
Protein context (NP_001265441.1, residues 966-986): QAANFQLCTQ[Thr976Ile]RQFYVSIQPP

ClinVar aggregate classification (germline): Uncertain significance (1 of 4 stars; one submission).

Allele frequency attached by ClinVar (database versions not stated): gnomAD exomes below 0.00001; gnomAD 0.00001; TOPMed 0.00001.
gnomAD v4.1: 3 of 1,613,664 alleles (0.00019%); highest among the groups gnomAD compares: African/African-American, 0.0013%; no homozygotes.

Submission:

Labcorp Genetics (formerly Invitae), Labcorp
Classification: Uncertain significance. Last evaluated: 2022-07-26. Review status: criteria provided, single submitter. Criteria: Invitae Variant Classification Sherloc (09022015). Collection method: clinical testing. Allele origin: germline.
Comment: In summary, the available evidence is currently insufficient to determine the role of this variant in disease. Therefore, it has been classified as a Variant of Uncertain Significance. Algorithms developed to predict the effect of missense changes on protein structure and function are either unavailable or do not agree on the potential impact of this missense change (SIFT: "Tolerated"; PolyPhen-2: "Possibly Damaging"; Align-GVGD: "Class C0"). ClinVar contains an entry for this variant (Variation ID: 1441419). This variant has not been reported in the literature in individuals affected with AP3B2-related conditions. This variant is not present in population databases (gnomAD no frequency). This sequence change replaces threonine, which is neutral and polar, with isoleucine, which is neutral and non-polar, at codon 957 of the AP3B2 protein (p.Thr957Ile).